The following is an entry in ClinVar:

NM_003737.4(DCHS1):c.1973C>G (p.Thr658Arg)

Gene: DCHS1 (dachsous cadherin-related 1; minus strand). Cytogenetic location: 11p15.4.
Variant type: single nucleotide variant.
Coding change: c.1973C>G on transcript NM_003737.4 (MANE Select); coding-DNA position 1973, C replaced by G.
Protein change: p.Thr658Arg; replaces threonine 658 with arginine.
Molecular consequence: missense variant.
Genome position (GRCh38, 1-based): chr11:6,634,131, G>C on the plus strand (C>G on the coding strand, the complement: DCHS1 is on the minus strand). VCF-style: chr11-6634131-G-C. GRCh37 (hg19) VCF-style: chr11-6655362-G-C.
Other names: short protein forms T658R.
Identifiers: ClinVar variation 1428332 (VCV001428332.6), dbSNP rs762188777, ClinGen allele CA5860851.

ClinVar aggregate classification (germline): Uncertain significance (1 of 4 stars; one submission).

Allele frequency attached by ClinVar (database versions not stated): gnomAD exomes 0.00001; ExAC 0.00002.
gnomAD v4.1: 7 of 1,605,232 alleles (0.00044%); highest among the groups gnomAD compares: Non-Finnish European, 0.0006%; no homozygotes.

Submission:

Labcorp Genetics (formerly Invitae), Labcorp
Classification: Uncertain significance. Last evaluated: 2025-04-08. Review status: criteria provided, single submitter. Criteria: Invitae Variant Classification Sherloc (09022015). Collection method: clinical testing. Allele origin: germline.
Comment: This sequence change replaces threonine, which is neutral and polar, with arginine, which is basic and polar, at codon 658 of the DCHS1 protein (p.Thr658Arg). This variant is present in population databases (rs762188777, gnomAD 0.005%). This variant has not been reported in the literature in individuals affected with DCHS1-related conditions. ClinVar contains an entry for this variant (Variation ID: 1428332). Invitae Evidence Modeling of protein sequence and biophysical properties (such as structural, functional, and spatial information, amino acid conservation, physicochemical variation, residue mobility, and thermodynamic stability) indicates that this missense variant is not expected to disrupt DCHS1 protein function with a negative predictive value of 80%. In summary, the available evidence is currently insufficient to determine the role of this variant in disease. Therefore, it has been classified as a Variant of Uncertain Significance.